The following is an entry in ClinVar:

NM_002474.3(MYH11):c.5676G>C (p.Glu1892Asp)

Genes: MYH11 (myosin heavy chain 11; minus strand), NDE1 (nudE neurodevelopment protein 1; plus strand). Cytogenetic location: 16p13.11.
Variant type: single nucleotide variant.
Coding change: c.5676G>C on transcript NM_002474.3 (MANE Select); coding-DNA position 5676, G replaced by C.
Protein change: p.Glu1892Asp; replaces glutamic acid 1892 with aspartic acid.
Molecular consequence: missense variant. On other transcripts: intron variant (2).
Genome position (GRCh38, 1-based): chr16:15,715,019, C>G on the plus strand (G>C on the coding strand, the complement: MYH11 is on the minus strand). VCF-style: chr16-15715019-C-G. GRCh37 (hg19) VCF-style: chr16-15808876-C-G.
Other names: p.E1892D:GAG>GAC; c.5697G>C, p.Glu1899Asp (NM_001040114.2, NM_001040113.2); c.5676G>C, p.Glu1892Asp (NM_022844.3); c.948-9172C>G (NM_001143979.2, NM_017668.3); short protein forms E1899D, E1892D.
Identifiers: ClinVar variation 138358 (VCV000138358.110), dbSNP rs113964173, ClinGen allele CA292332.

ClinVar aggregate classification (germline): Benign/Likely benign. Review status: criteria provided, multiple submitters, no conflicts (2 of 4 stars). 18 submissions from 18 submitters: Benign (9); Likely benign (7). 2 of the submissions do not count toward it. Last evaluated 2026-09-01.

Conditions:
Familial thoracic aortic aneurysm and aortic dissection (TAAD). Also called: Thoracic aortic aneurysms and dissections. Identifiers: Orphanet 91387, MedGen C4707243, MONDO:0019625.
Aortic aneurysm, familial thoracic 4 (AAT4). Also called: AORTIC ANEURYSM/AORTIC DISSECTION AND PATENT DUCTUS ARTERIOSUS. Identifiers: MedGen C1851504, MONDO:0007568, OMIM 132900.

Allele frequency attached by ClinVar (database versions not stated): 1000 Genomes Project 30x 0.00281; 1000 Genomes Project 0.00339; gnomAD 0.00462; ESP Exome Variant Server 0.00523; TOPMed 0.00533.
gnomAD v4.1: 9,082 of 1,613,984 alleles (0.56%); highest among the groups gnomAD compares: Middle Eastern, 1.7%; 39 homozygotes.

Submissions (18):

CeGaT Center for Human Genetics Tuebingen
Classification: Likely benign. Last evaluated: 2026-09-01. Review status: criteria provided, single submitter. Criteria: CeGaT Center For Human Genetics Tuebingen Variant Classification Criteria Version 2. Collection method: clinical testing. Allele origin: germline. Affected: yes. Observed: 88 variant alleles.
Comment: MYH11: BS2; NDE1: BS2

Labcorp Genetics (formerly Invitae), Labcorp
Classification: Benign for Aortic aneurysm, familial thoracic 4. Last evaluated: 2026-02-04. Review status: criteria provided, single submitter. Criteria: Invitae Variant Classification Sherloc (09022015). Collection method: clinical testing. Allele origin: germline.

ARUP Laboratories, Molecular Genetics and Genomics, ARUP Laboratories
Classification: Benign. Last evaluated: 2025-05-13. Review status: criteria provided, single submitter. Criteria: ARUP Molecular Germline Variant Investigation Process 2024. Collection method: clinical testing. Allele origin: germline.

Molecular Diagnostic Laboratory for Inherited Cardiovascular Disease, Montreal Heart Institute
Classification: Likely benign. Last evaluated: 2025-04-09. Review status: criteria provided, single submitter. Criteria: ACMG Guidelines, 2015. Collection method: clinical testing. Allele origin: germline. Affected: no.
Comment: BS1;BP6

Blueprint Genetics
Classification: Likely benign. Last evaluated: 2024-11-27. Review status: criteria provided, single submitter. Criteria: ACMG Guidelines, 2015. Collection method: clinical testing. Allele origin: germline.

Mayo Clinic Laboratories, Mayo Clinic
Classification: Benign. Last evaluated: 2022-05-20. Review status: criteria provided, single submitter. Criteria: ACMG Guidelines, 2015. Collection method: clinical testing. Allele origin: germline. Observed: 14 variant alleles.
Comment: BS1, BS2

Mendelics
Classification: Likely benign for Aortic aneurysm, familial thoracic 4. Last evaluated: 2019-05-28. Review status: criteria provided, single submitter. Criteria: Mendelics Assertion Criteria 2017. Collection method: clinical testing. Allele origin: unknown.

Color Diagnostics, LLC DBA Color Health
Classification: Benign for Familial thoracic aortic aneurysm and aortic dissection. Last evaluated: 2018-03-16. Review status: criteria provided, single submitter. Criteria: ACMG Guidelines, 2015. Collection method: clinical testing. Allele origin: germline.

Illumina Laboratory Services, Illumina
Classification: Likely benign for Aortic aneurysm, familial thoracic 4. Last evaluated: 2018-01-13. Review status: criteria provided, single submitter. Criteria: ICSL Variant Classification Criteria 13 December 2019. Collection method: clinical testing. Allele origin: germline.
Comment: This variant was observed in the ICSL laboratory as part of a predisposition screen in an ostensibly healthy population. It had not been previously curated by ICSL or reported in the Human Gene Mutation Database (HGMD: prior to June 1st, 2018), and was therefore a candidate for classification through an automated scoring system. Utilizing variant allele frequency, disease prevalence and penetrance estimates, and inheritance mode, an automated score was calculated to assess if this variant is too frequent to cause the disease. Based on the score and internal cut-off values, a variant classified as likely benign is not then subjected to further curation. The score for this variant resulted in a classification of likely benign for this disease.

Genome Diagnostics Laboratory, University Medical Center Utrecht
Classification: Benign for Aortic aneurysm, familial thoracic 4. Last evaluated: 2017-07-28. Review status: criteria provided, single submitter. Criteria: ACGS Guidelines, 2013. Collection method: clinical testing. Allele origin: germline. Affected: yes. Study: VKGL Data-share Consensus.

Clinical Genetics DNA and cytogenetics Diagnostics Lab, Erasmus MC, Erasmus Medical Center
Classification: Likely benign for Aortic aneurysm, familial thoracic 4. Last evaluated: 2017-05-31. Review status: criteria provided, single submitter. Criteria: ACGS Guidelines, 2013. Collection method: clinical testing. Allele origin: germline. Affected: yes. Study: VKGL Data-share Consensus.

Laboratory for Molecular Medicine, Mass General Brigham Personalized Medicine
Classification: Benign. Last evaluated: 2015-12-11. Review status: criteria provided, single submitter. Criteria: LMM Criteria. Collection method: clinical testing. Allele origin: germline. Observed: 1 variant allele.
Comment: p.Glu1899Asp in exon 41 of MYH11: This variant is not expected to have clinical significance because it has been identified in 0.5% (623/121214) of pan ethnic c hromosomes including 3 homozygous individuals by the Exome Aggregation Consortiu m (ExAC; dbSNP rs113964173).

Ambry Genetics
Classification: Benign for Familial thoracic aortic aneurysm and aortic dissection. Last evaluated: 2014-10-06. Review status: criteria provided, single submitter. Criteria: Ambry Variant Classification Scheme 2023. Collection method: clinical testing. Allele origin: germline.

GeneDx
Classification: Benign. Last evaluated: 2013-06-23. Review status: criteria provided, single submitter. Criteria: GeneDx Variant Classification (06012015). Collection method: clinical testing. Allele origin: germline. Affected: yes.
Comment: This variant is considered likely benign or benign based on one or more of the following criteria: it is a conservative change, it occurs at a poorly conserved position in the protein, it is predicted to be benign by multiple in silico algorithms, and/or has population frequency not consistent with disease.

Breakthrough Genomics
Classification: Likely benign. Review status: criteria provided, single submitter. Criteria: ACMG Guidelines, 2015. Collection method: not provided. Allele origin: germline. Inheritance: Autosomal recessive inheritance. Affected: yes.

PreventionGenetics, part of Exact Sciences
Classification: Benign. Review status: criteria provided, single submitter. Criteria: ACMG Guidelines, 2015. Collection method: clinical testing. Allele origin: germline.

Biochemical Molecular Genetic Laboratory, King Abdulaziz Medical City
Classification: Benign for Aortic aneurysm, familial thoracic 4. Last evaluated: 2020-02-05. Review status: no assertion criteria provided. Collection method: clinical testing. Allele origin: germline. Affected: yes. Not counted in ClinVar's aggregate classification.

Joint Genome Diagnostic Labs from Nijmegen and Maastricht, Radboudumc and MUMC+
Classification: Benign. Review status: no assertion criteria provided. Collection method: clinical testing. Allele origin: germline. Affected: yes. Study: VKGL Data-share Consensus. Not counted in ClinVar's aggregate classification.